The following is an entry in ClinVar:

ClinVar aggregate classification (germline): Uncertain significance (1 of 4 stars; one submission).

Allele frequency attached by ClinVar (database versions not stated): ExAC 0.00001; gnomAD 0.00001; gnomAD exomes 0.00001.
gnomAD v4.1: 7 of 1,614,200 alleles (0.00043%); highest among the groups gnomAD compares: Admixed American, 0.01%; no homozygotes.

Submission:

Labcorp Genetics (formerly Invitae), Labcorp
Classification: Uncertain significance. Last evaluated: 2022-09-21. Review status: criteria provided, single submitter. Criteria: Invitae Variant Classification Sherloc (09022015). Collection method: clinical testing. Allele origin: germline.
Comment: In summary, the available evidence is currently insufficient to determine the role of this variant in disease. Therefore, it has been classified as a Variant of Uncertain Significance. Algorithms developed to predict the effect of missense changes on protein structure and function are either unavailable or do not agree on the potential impact of this missense change (SIFT: "Deleterious"; PolyPhen-2: "Possibly Damaging"; Align-GVGD: "Class C0"). ClinVar contains an entry for this variant (Variation ID: 1046886). This variant has not been reported in the literature in individuals affected with SLC7A14-related conditions. This variant is present in population databases (rs552489926, gnomAD 0.01%). This sequence change replaces isoleucine, which is neutral and non-polar, with threonine, which is neutral and polar, at codon 92 of the SLC7A14 protein (p.Ile92Thr).

NM_020949.3(SLC7A14):c.275T>C (p.Ile92Thr)

Genes: SLC7A14 (solute carrier family 7 member 14; minus strand), SLC7A14-AS1 (SLC7A14 antisense RNA 1; plus strand). Cytogenetic location: 3q26.2.
Variant type: single nucleotide variant.
Coding change: c.275T>C on transcript NM_020949.3 (MANE Select); coding-DNA position 275, T replaced by C.
Protein change: p.Ile92Thr; replaces isoleucine 92 with threonine.
Molecular consequence: missense variant.
Genome position (GRCh38, 1-based): chr3:170,526,662, A>G on the plus strand (T>C on the coding strand, the complement: SLC7A14 is on the minus strand). VCF-style: chr3-170526662-A-G. GRCh37 (hg19) VCF-style: chr3-170244451-A-G.
Other names: short protein forms I92T.
Identifiers: ClinVar variation 1046886 (VCV001046886.10), dbSNP rs552489926, ClinGen allele CA2701979.